The following is an entry in ClinVar:

NM_001001331.4(ATP2B2):c.280A>T (p.Thr94Ser)

Gene: ATP2B2 (ATPase plasma membrane Ca2+ transporting 2; minus strand). Cytogenetic location: 3p25.3.
Variant type: single nucleotide variant.
Coding change: c.280A>T on transcript NM_001001331.4 (MANE Select); coding-DNA position 280, A replaced by T.
Protein change: p.Thr94Ser; replaces threonine 94 with serine.
Molecular consequence: missense variant.
Genome position (GRCh38, 1-based): chr3:10,410,735, T>A on the plus strand (A>T on the coding strand, the complement: ATP2B2 is on the minus strand). VCF-style: chr3-10410735-T-A. GRCh37 (hg19) VCF-style: chr3-10452419-T-A.
Other names: c.280A>T, p.Thr94Ser (NM_001330611.3, NM_001353564.1, NM_001363862.1 and 3 more transcripts); short protein forms T94S.
Identifiers: ClinVar variation 4776664 (VCV004776664.1).

ClinVar aggregate classification (germline): Uncertain significance (1 of 4 stars; one submission).

gnomAD v4.1: 15 of 1,614,016 alleles (0.00093%); highest among the groups gnomAD compares: Non-Finnish European, 0.0012%; no homozygotes.

Submission:

Labcorp Genetics (formerly Invitae), Labcorp
Classification: Uncertain significance. Last evaluated: 2025-11-25. Review status: criteria provided, single submitter. Criteria: Invitae Variant Classification Sherloc (09022015). Collection method: clinical testing. Allele origin: germline.
Comment: This sequence change replaces threonine, which is neutral and polar, with serine, which is neutral and polar, at codon 94 of the ATP2B2 protein (p.Thr94Ser). This variant is present in population databases (rs745337447, gnomAD 0.007%). This variant has not been reported in the literature in individuals affected with ATP2B2-related conditions. Invitae Evidence Modeling of protein sequence and biophysical properties (such as structural, functional, and spatial information, amino acid conservation, physicochemical variation, residue mobility, and thermodynamic stability) indicates that this missense variant is not expected to disrupt ATP2B2 protein function with a negative predictive value of 80%. In summary, the available evidence is currently insufficient to determine the role of this variant in disease. Therefore, it has been classified as a Variant of Uncertain Significance.